The following is an entry in ClinVar:

ClinVar aggregate classification (germline): Uncertain significance. Review status: criteria provided, multiple submitters, no conflicts (2 of 4 stars). 2 submissions from 2 submitters: Uncertain significance (2). Last evaluated 2024-11-13.

Conditions:
Inborn genetic diseases. Identifiers: MedGen C0950123, MeSH D030342.

gnomAD v4.1: 6 of 1,544,100 alleles (0.00039%); highest among the groups gnomAD compares: Non-Finnish European, 0.00053%; no homozygotes.

Submissions (2):

Ambry Genetics
Classification: Uncertain significance for Inborn genetic diseases. Last evaluated: 2024-11-13. Review status: criteria provided, single submitter. Criteria: Ambry Variant Classification Scheme 2023. Collection method: clinical testing. Allele origin: germline.

Labcorp Genetics (formerly Invitae), Labcorp
Classification: Uncertain significance. Last evaluated: 2024-06-17. Review status: criteria provided, single submitter. Criteria: Invitae Variant Classification Sherloc (09022015). Collection method: clinical testing. Allele origin: germline.
Comment: This sequence change replaces valine, which is neutral and non-polar, with methionine, which is neutral and non-polar, at codon 28 of the COL9A3 protein (p.Val28Met). This variant is not present in population databases (gnomAD no frequency). This variant has not been reported in the literature in individuals affected with COL9A3-related conditions. ClinVar contains an entry for this variant (Variation ID: 1378298). Advanced modeling of protein sequence and biophysical properties (such as structural, functional, and spatial information, amino acid conservation, physicochemical variation, residue mobility, and thermodynamic stability) performed at Invitae indicates that this missense variant is not expected to disrupt COL9A3 protein function with a negative predictive value of 95%. In summary, the available evidence is currently insufficient to determine the role of this variant in disease. Therefore, it has been classified as a Variant of Uncertain Significance.

NM_001853.4(COL9A3):c.82G>A (p.Val28Met)

Gene: COL9A3 (collagen type IX alpha 3 chain; plus strand). Cytogenetic location: 20q13.33.
Variant type: single nucleotide variant.
Coding change: c.82G>A on transcript NM_001853.4 (MANE Select); coding-DNA position 82, G replaced by A.
Protein change: p.Val28Met; replaces valine 28 with methionine.
Molecular consequence: missense variant.
Genome position (GRCh38, 1-based): chr20:62,817,570, G>A. VCF-style: chr20-62817570-G-A. GRCh37 (hg19) VCF-style: chr20-61448922-G-A.
Other names: c.82G>A (NM_001853.3); short protein forms V28M.
Identifiers: ClinVar variation 1378298 (VCV001378298.7), dbSNP rs1027547114, ClinGen allele CA317319358.